The following is an entry in ClinVar:

ClinVar aggregate classification (germline): Uncertain significance. Review status: criteria provided, multiple submitters, no conflicts (2 of 4 stars). 3 submissions from 2 submitters: Uncertain significance (3). Last evaluated 2024-12-16.

Conditions:
Glaucoma 3, primary congenital, D. Identifiers: Orphanet 98976, MedGen C2751316, MONDO:0013122, OMIM 613086.
Weill-Marchesani syndrome. Also called: WM Syndrome; Mesodermal dysmorphodystrophy congenital. Identifiers: Orphanet 3449, MedGen C0265313, MONDO:0018096.

Allele frequency attached by ClinVar (database versions not stated): TOPMed 0.00007; ESP Exome Variant Server 0.00008; gnomAD exomes 0.00011; ExAC 0.00014.
gnomAD v4.1: 245 of 1,614,080 alleles (0.015%); highest among the groups gnomAD compares: Non-Finnish European, 0.019%; no homozygotes.

Submissions (3):

Labcorp Genetics (formerly Invitae), Labcorp
Classification: Uncertain significance. Last evaluated: 2024-12-16. Review status: criteria provided, single submitter. Criteria: Invitae Variant Classification Sherloc (09022015). Collection method: clinical testing. Allele origin: germline.
Comment: This sequence change replaces proline, which is neutral and non-polar, with serine, which is neutral and polar, at codon 189 of the LTBP2 protein (p.Pro189Ser). This variant is present in population databases (rs199581921, gnomAD 0.02%). This variant has not been reported in the literature in individuals affected with LTBP2-related conditions. ClinVar contains an entry for this variant (Variation ID: 886933). An algorithm developed to predict the effect of missense changes on protein structure and function (PolyPhen-2) suggests that this variant is likely to be disruptive. In summary, the available evidence is currently insufficient to determine the role of this variant in disease. Therefore, it has been classified as a Variant of Uncertain Significance.

Illumina Laboratory Services, Illumina
Classification: Uncertain significance for Weill-Marchesani syndrome. Last evaluated: 2018-01-13. Review status: criteria provided, single submitter. Criteria: ICSL Variant Classification Criteria 13 December 2019. Collection method: clinical testing. Allele origin: germline.

Illumina Laboratory Services, Illumina
Classification: Uncertain significance for Glaucoma 3, primary congenital, D. Last evaluated: 2018-01-13. Review status: criteria provided, single submitter. Criteria: ICSL Variant Classification Criteria 13 December 2019. Collection method: clinical testing. Allele origin: germline.

NM_000428.3(LTBP2):c.565C>T (p.Pro189Ser)

Gene: LTBP2 (latent transforming growth factor beta binding protein 2; minus strand). Cytogenetic location: 14q24.3.
Variant type: single nucleotide variant.
Coding change: c.565C>T on transcript NM_000428.3 (MANE Select); coding-DNA position 565, C replaced by T.
Protein change: p.Pro189Ser; replaces proline 189 with serine.
Molecular consequence: missense variant.
Genome position (GRCh38, 1-based): chr14:74,603,635, G>A on the plus strand (C>T on the coding strand, the complement: LTBP2 is on the minus strand). VCF-style: chr14-74603635-G-A. GRCh37 (hg19) VCF-style: chr14-75070338-G-A.
Other names: short protein forms P189S.
Identifiers: ClinVar variation 886933 (VCV000886933.9), dbSNP rs199581921, ClinGen allele CA7270156.